The following is an entry in ClinVar:

NM_000528.4(MAN2B1):c.2896T>G (p.Ser966Ala)

Gene: MAN2B1 (mannosidase alpha class 2B member 1; minus strand). Cytogenetic location: 19p13.13.
Variant type: single nucleotide variant.
Coding change: c.2896T>G on transcript NM_000528.4 (MANE Select); coding-DNA position 2896, T replaced by G.
Protein change: p.Ser966Ala; replaces serine 966 with alanine.
Molecular consequence: missense variant.
Genome position (GRCh38, 1-based): chr19:12,647,260, A>C on the plus strand (T>G on the coding strand, the complement: MAN2B1 is on the minus strand). VCF-style: chr19-12647260-A-C. GRCh37 (hg19) VCF-style: chr19-12758074-A-C.
Other names: c.2893T>G, p.Ser965Ala (NM_001173498.2); short protein forms S966A, S965A.
Identifiers: ClinVar variation 938194 (VCV000938194.12), dbSNP rs1365532315, ClinGen allele CA404237284.
Genomic context (GRCh38, chr19:12,647,260, plus strand): 5'-CCACCCCTTCCCTACCCCTGACCAGGGCCCCACCTGTGTTTGTTGTCCACTTGAGCCTGG[A>C]GGCTGCCTCGCGGAGCTGGTTGGCCACCAGCGTGGTCTCCTGCAGGCGGGTGATGGTGAA-3'
Protein context (NP_000519.2, residues 956-976): LVANQLREAA[Ser966Ala]RLKWTTNTGP

ClinVar aggregate classification (germline): Uncertain significance. Review status: criteria provided, multiple submitters, no conflicts (2 of 4 stars). 3 submissions from 3 submitters: Uncertain significance (2). 1 of the submissions does not count toward it. Last evaluated 2023-06-22.

Conditions:
Deficiency of alpha-mannosidase (MANSA). Also called: Alpha-Mannosidosis; LYSOSOMAL ALPHA-D-MANNOSIDASE DEFICIENCY; Mannosidosis, alpha-, types I and II. Identifiers: Orphanet 61, MedGen C0024748, MONDO:0009561, OMIM 248500.

Allele frequency attached by ClinVar (database versions not stated): gnomAD exomes below 0.00001.
gnomAD v4.1: 4 of 1,613,974 alleles (0.00025%); highest among the groups gnomAD compares: South Asian, 0.0044%; no homozygotes.

Submissions (3):

Neuberg Centre For Genomic Medicine, NCGM
Classification: Uncertain significance for Deficiency of alpha-mannosidase. Last evaluated: 2023-06-22. Review status: criteria provided, single submitter. Criteria: ACMG Guidelines, 2015. Collection method: clinical testing. Allele origin: germline. Inheritance: Autosomal recessive inheritance. Affected: yes.
Comment: The missense c.2896T>G(p.Ser966Ala) variant in MAN2B1 gene has not been reported previously as a pathogenic variant nor as a benign variant, to our knowledge. This variant is present with an allele frequency of 0.0004% in gnomAD Exomes. This variant has been submitted to the ClinVar database as Uncertain significance. Computational evidence (Polyphen - Possibly damaging, SIFT - Tolerated and MutationTaster -Polymorphism) predicts conflicting evidence on protein structure and function for this variant. The reference amino acid at this position in MAN2B1 is predicted as conserved by GERP++ and PhyloP across 100 vertebrates. The amino acid Ser at position 966 is changed to a Ala changing protein sequence and it might alter its composition and physico-chemical properties. For these reasons, this variant has been classified as Variant of Uncertain Significance (VUS).

Labcorp Genetics (formerly Invitae), Labcorp
Classification: Uncertain significance for Deficiency of alpha-mannosidase. Last evaluated: 2021-08-31. Review status: criteria provided, single submitter. Criteria: Invitae Variant Classification Sherloc (09022015). Collection method: clinical testing. Allele origin: germline.
Comment: This sequence change replaces serine with alanine at codon 966 of the MAN2B1 protein (p.Ser966Ala). The serine residue is moderately conserved and there is a moderate physicochemical difference between serine and alanine. This variant is not present in population databases (ExAC no frequency). This variant has not been reported in the literature in individuals affected with MAN2B1-related conditions. Algorithms developed to predict the effect of missense changes on protein structure and function (SIFT, PolyPhen-2, Align-GVGD) all suggest that this variant is likely to be tolerated. In summary, the available evidence is currently insufficient to determine the role of this variant in disease. Therefore, it has been classified as a Variant of Uncertain Significance.

Natera, Inc.
Classification: Uncertain significance for Alpha-mannosidosis. Last evaluated: 2021-03-02. Review status: no assertion criteria provided. Collection method: clinical testing. Allele origin: germline. Not counted in ClinVar's aggregate classification.